The following is an entry in ClinVar:

ClinVar aggregate classification (germline): Uncertain significance (1 of 4 stars; one submission).

Conditions:
Generalized pustular psoriasis. Identifiers: Orphanet 247353, MedGen C0343055, MONDO:0100491.

Allele frequency attached by ClinVar (database versions not stated): gnomAD exomes below 0.00001.

Submission:

Labcorp Genetics (formerly Invitae), Labcorp
Classification: Uncertain significance for Generalized pustular psoriasis. Last evaluated: 2020-12-08. Review status: criteria provided, single submitter. Criteria: Invitae Variant Classification Sherloc (09022015). Collection method: clinical testing. Allele origin: germline.
Comment: This sequence change results in a frameshift in the IL36RN gene (p.Ser110Thrfs*62). While this is not anticipated to result in nonsense mediated decay, it is expected to disrupt the last 46 amino acid(s) of the IL36RN protein and extend the protein by 15 additional amino acid residues. This variant is not present in population databases (ExAC no frequency). This variant has not been reported in the literature in individuals with IL36RN-related conditions. Experimental studies and prediction algorithms are not available or were not evaluated, and the functional significance of this variant is currently unknown. In summary, the available evidence is currently insufficient to determine the role of this variant in disease. Therefore, it has been classified as a Variant of Uncertain Significance.

NM_012275.3(IL36RN):c.329del (p.Ser110fs)

Gene: IL36RN (interleukin 36 receptor antagonist; plus strand). Cytogenetic location: 2q14.1.
Variant type: Deletion.
Coding change: c.329del on transcript NM_012275.3 (MANE Select); coding-DNA position 329, one base deleted (G; older notation c.329delG).
Protein change: p.Ser110fs; shifts the reading frame from serine 110.
Molecular consequence: frameshift variant.
Genome position (GRCh38, 1-based): chr2:113,062,538, G deleted. VCF-style (leftmost placement, unchanged base first): chr2-113062537-AG-A. GRCh37 (hg19) VCF-style: chr2-113820114-AG-A.
Other names: c.329del, p.Ser110fs (NM_173170.1); short protein forms S110fs.
Identifiers: ClinVar variation 1506677 (VCV001506677.6), dbSNP rs2105069859, ClinGen allele CA2573133158.
Genomic context (GRCh38, chr2:113,062,537, plus strand): 5'-CTTGGTGCCAAGGAATCCAAGAGCTTCACCTTCTACCGGCGGGACATGGGGCTCACCTCC[AG>A]CTTCGAGTCGGCTGCCTACCCGGGCTGGTTCCTGTGCACGGTGCCTGAAGCCGATCAGCC-3'